The following is an entry in ClinVar:

NM_006941.4(SOX10):c.356_357del (p.Arg119fs)

Genes: POLR2F (RNA polymerase II, I and III subunit F; plus strand), SOX10 (SRY-box transcription factor 10; minus strand). Cytogenetic location: 22q13.1.
Variant type: Microsatellite.
Coding change: c.356_357del on transcript NM_006941.4 (MANE Select); coding-DNA positions 356 to 357, 2 bases deleted (GC; older notation c.356_357delGC).
Protein change: p.Arg119fs; shifts the reading frame from arginine 119.
Molecular consequence: frameshift variant. On other transcripts: intron variant (3).
Genome position (GRCh38, 1-based): chr22:37,983,428-37,983,429, GC deleted on the plus strand (GC on the coding strand, the reverse complement: SOX10 is on the minus strand); deleting any 2 consecutive bases within chr22:37,983,428-37,983,433 gives the same sequence; the c. name uses the placement nearest the transcript's 3' end. VCF-style (leftmost placement, unchanged base first): chr22-37983427-TGC-T. GRCh37 (hg19) VCF-style: chr22-38379434-TGC-T.
Other names: c.*38+11118GC[2] (NM_001363825.1); c.294-2726GC[2] (NM_001301130.2); c.293+16258GC[2] (NM_001301131.2); short protein forms R119fs.
Identifiers: ClinVar variation 2444323 (VCV002444323.1), dbSNP rs2518052383, ClinGen allele CA2580615307.
Genomic context (GRCh38, chr22:37,983,427, plus strand): 5'-TGCCCAGCGTCTTGCTGAGCTCAGCGTTGTGCAGGTGCGGGTACTGGTCCGCGAGCTTCC[TGC>T]GCGCTGCCTGAGCCCACACCATGAAGGCGTTCATGGGCCGCTTGACGTGCGGCTTGCTTT-3'

ClinVar aggregate classification (germline): Likely pathogenic (1 of 4 stars; one submission).

Conditions:
Waardenburg syndrome type 2E (WS2E). Also called: WAARDENBURG SYNDROME, TYPE 2E, WITH OR WITHOUT NEUROLOGIC INVOLVEMENT; WS2E, WITH OR WITHOUT NEUROLOGIC INVOLVEMENT; HYPOGONADOTROPIC HYPOGONADISM WITH ANOSMIA AND DEAFNESS, WITH OR WITHOUT HYPOPIGMENTATION. Identifiers: Orphanet 3440, MedGen C2700405, MONDO:0012698, OMIM 611584.

Submission:

3billion
Classification: Likely pathogenic for Waardenburg syndrome type 2E. Last evaluated: 2023-02-23. Review status: criteria provided, single submitter. Criteria: ACMG Guidelines, 2015. Collection method: clinical testing. Allele origin: unknown. Affected: yes.
Comment: The variant is not observed in the gnomAD v2.1.1 dataset. This variant was predicted to result in a loss or disruption of normal protein function through nonsense-mediated decay (NMD) or protein truncation. Multiple pathogenic variants are reported downstream of the variant. Therefore, this variant is classified as Likely pathogenic according to the recommendation of ACMG/AMP guideline.